The following is an entry in ClinVar:

NM_022455.5(NSD1):c.4378+5G>A

Gene: NSD1 (nuclear receptor binding SET domain protein 1; plus strand). Cytogenetic location: 5q35.3.
Variant type: single nucleotide variant.
Coding change: c.4378+5G>A on transcript NM_022455.5 (MANE Select); 5 bases into the intron after coding-DNA position 4378, G replaced by A.
Molecular consequence: intron variant.
Genome position (GRCh38, 1-based): chr5:177,244,275, G>A. VCF-style: chr5-177244275-G-A. GRCh37 (hg19) VCF-style: chr5-176671276-G-A.
Other names: c.4378+5G>A (NM_001409301.1, NM_001409302.1, NM_001409303.1); c.3958+5G>A (NM_001409304.1); c.3625+5G>A (NM_001409305.1); c.3505+5G>A (NM_001409306.1, NM_001409308.1, NM_001409307.1 and 3 more transcripts).
Identifiers: ClinVar variation 2656109 (VCV002656109.24), dbSNP rs1064793218, ClinGen allele CA2695198803.

ClinVar aggregate classification (germline): Uncertain significance (1 of 4 stars; one submission).

Submission:

CeGaT Center for Human Genetics Tuebingen
Classification: Uncertain significance. Last evaluated: 2022-09-01. Review status: criteria provided, single submitter. Criteria: CeGaT Center For Human Genetics Tuebingen Variant Classification Criteria Version 2. Collection method: clinical testing. Allele origin: germline. Affected: yes. Observed: 1 variant allele.
Comment: NSD1: PM2